The following is an entry in ClinVar:

ClinVar aggregate classification (germline): Uncertain significance. Review status: criteria provided, multiple submitters, no conflicts (2 of 4 stars). 2 submissions from 2 submitters: Uncertain significance (2). Last evaluated 2024-06-04.

Conditions:
Inborn genetic diseases. Identifiers: MedGen C0950123, MeSH D030342.

Allele frequency attached by ClinVar (database versions not stated): gnomAD 0.00008 and 0.00009; TOPMed 0.00008; ExAC 0.00016; ESP Exome Variant Server 0.00008; gnomAD exomes 0.00014.

Submissions (2):

Ambry Genetics
Classification: Uncertain significance for Inborn genetic diseases. Last evaluated: 2024-06-04. Review status: criteria provided, single submitter. Criteria: Ambry Variant Classification Scheme 2023. Collection method: clinical testing. Allele origin: germline.

Labcorp Genetics (formerly Invitae), Labcorp
Classification: Uncertain significance. Last evaluated: 2022-09-19. Review status: criteria provided, single submitter. Criteria: Invitae Variant Classification Sherloc (09022015). Collection method: clinical testing. Allele origin: germline.
Comment: This sequence change replaces valine, which is neutral and non-polar, with isoleucine, which is neutral and non-polar, at codon 78 of the TIMM50 protein (p.Val78Ile). This variant is present in population databases (rs368159929, gnomAD 0.09%). This variant has not been reported in the literature in individuals affected with TIMM50-related conditions. ClinVar contains an entry for this variant (Variation ID: 1386693). Algorithms developed to predict the effect of missense changes on protein structure and function output the following: SIFT: "Not Available"; PolyPhen-2: "Benign"; Align-GVGD: "Not Available". The isoleucine amino acid residue is found in multiple mammalian species, which suggests that this missense change does not adversely affect protein function. In summary, the available evidence is currently insufficient to determine the role of this variant in disease. Therefore, it has been classified as a Variant of Uncertain Significance.

NC_000019.10:g.39480776G>A

Gene: TIMM50 (translocase of inner mitochondrial membrane 50; plus strand). Cytogenetic location: 19q13.2.
Variant type: single nucleotide variant.
Genome position: GRCh38 VCF-style: chr19-39480776-G-A. GRCh37 (hg19) VCF-style: chr19-39971416-G-A.
Identifiers: ClinVar variation 1386693 (VCV001386693.5), dbSNP rs368159929, ClinGen allele CA9431600.
Genomic context (GRCh38, chr19:39,480,776, plus strand): 5'-GGCAATCCGCCCGATGCCTTTGGTCTCTCTCGGGCTTCCGTCCACCCGCCCCTCCCCCGC[G>A]TTTCCATTGGCTGTAGCTCCGGCCCGGGGCGGGCGAAGAGGGAGCGAGTGGGCGGGGCCG-3'